The following is an entry in ClinVar:

ClinVar aggregate classification (germline): Pathogenic (1 of 4 stars; one submission).

Submission:

Labcorp Genetics (formerly Invitae), Labcorp
Classification: Pathogenic. Last evaluated: 2025-12-23. Review status: criteria provided, single submitter. Criteria: Invitae Variant Classification Sherloc (09022015). Collection method: clinical testing. Allele origin: germline.
Comment: This sequence change creates a premature translational stop signal (p.Val49Serfs*13) in the SMAD2 gene. It is expected to result in an absent or disrupted protein product. Loss-of-function variants in SMAD2 are known to be pathogenic (PMID: 30157302, 40028843). This variant is not present in population databases (gnomAD no frequency). This variant has not been reported in the literature in individuals affected with SMAD2-related conditions. For these reasons, this variant has been classified as Pathogenic.

Literature cited by the submitters: PubMed 30157302; PubMed 40028843.

NM_005901.6(SMAD2):c.141_144dup (p.Val49fs)

Gene: SMAD2 (SMAD family member 2; minus strand). Cytogenetic location: 18q21.1.
Variant type: Duplication.
Coding change: c.141_144dup on transcript NM_005901.6 (MANE Select); coding-DNA positions 141 to 144, 4 bases duplicated (TCTG; older notation c.141_144dupTCTG).
Protein change: p.Val49fs; shifts the reading frame from valine 49.
Molecular consequence: frameshift variant.
Genome position (GRCh38, 1-based): chr18:47,896,613-47,896,616, CAGA duplicated on the plus strand (TCTG on the coding strand, the reverse complement: SMAD2 is on the minus strand); duplicating any 4 consecutive bases within chr18:47,896,613-47,896,617 gives the same sequence; the c. name uses the placement nearest the transcript's 3' end. VCF-style (leftmost placement, unchanged base first): chr18-47896612-C-CCAGA. GRCh37 (hg19) VCF-style: chr18-45422983-C-CCAGA.
Other names: c.141_144dup, p.Val49fs (NM_001003652.4, NM_001135937.3); short protein forms V49fs.
Identifiers: ClinVar variation 4727394 (VCV004727394.1).